The following is an entry in ClinVar:

NM_015021.3(ZNF292):c.5402_5403del (p.Val1801fs)

Gene: ZNF292 (zinc finger protein 292; plus strand). Cytogenetic location: 6q14.3.
Variant type: Microsatellite.
Coding change: c.5402_5403del on transcript NM_015021.3 (MANE Select); coding-DNA positions 5402 to 5403, 2 bases deleted (TG; older notation c.5402_5403delTG).
Protein change: p.Val1801fs; shifts the reading frame from valine 1801.
Molecular consequence: frameshift variant.
Genome position (GRCh38, 1-based): chr6:87,259,031-87,259,032, TG deleted; deleting any 2 consecutive bases within chr6:87,259,029-87,259,032 gives the same sequence; the c. name uses the placement nearest the transcript's 3' end. VCF-style (leftmost placement, unchanged base first): chr6-87259028-CTG-C. GRCh37 (hg19) VCF-style: chr6-87968746-CTG-C.
Other names: c.4982_4983del, p.Val1661fs (NM_001351444.2); short protein forms V1661fs, V1801fs.
Identifiers: ClinVar variation 1205067 (VCV001205067.3), dbSNP rs2127869216, ClinGen allele CA2580617307.

ClinVar aggregate classification (germline): Likely pathogenic (1 of 4 stars; one submission).

Submission:

GeneDx
Classification: Likely pathogenic. Last evaluated: 2020-03-06. Review status: criteria provided, single submitter. Criteria: GeneDx Variant Classification Process June 2021. Collection method: clinical testing. Allele origin: germline. Affected: yes.
Comment: Frameshift variant predicted to result in protein truncation, as the last 923 amino acids are replaced with 2 different amino acids; however, loss of function variants have not been reported downstream in the Human Gene Mutation Database (Stenson et al., 2014); Not observed in large population cohorts (Lek et al., 2016); Has not been previously published as pathogenic or benign to our knowledge